The following is an entry in ClinVar:

NM_005172.2(ATOH1):c.901_902dup (p.Leu302fs)

Gene: ATOH1 (atonal bHLH transcription factor 1; plus strand). Cytogenetic location: 4q22.2.
Variant type: Microsatellite.
Coding change: c.901_902dup on transcript NM_005172.2 (MANE Select); coding-DNA positions 901 to 902, 2 bases duplicated (GC; older notation c.901_902dupGC).
Protein change: p.Leu302fs; shifts the reading frame from leucine 302.
Molecular consequence: frameshift variant.
Genome position (GRCh38, 1-based): chr4:93,829,827-93,829,828, GC duplicated; duplicating any 2 consecutive bases within chr4:93,829,825-93,829,828 gives the same sequence; the c. name uses the placement nearest the transcript's 3' end. VCF-style (leftmost placement, unchanged base first): chr4-93829824-A-AGC. GRCh37 (hg19) VCF-style: chr4-94750975-A-AGC.
Other names: short protein forms L302fs.
Identifiers: ClinVar variation 3389839 (VCV003389839.14).

ClinVar aggregate classification (germline): Likely pathogenic (1 of 4 stars; one submission).

Submission:

CeGaT Center for Human Genetics Tuebingen
Classification: Likely pathogenic. Last evaluated: 2024-10-01. Review status: criteria provided, single submitter. Criteria: CeGaT Center For Human Genetics Tuebingen Variant Classification Criteria Version 2. Collection method: clinical testing. Allele origin: germline. Affected: yes. Observed: 1 variant allele.
Comment: ATOH1: PM2, PS2:Moderate, PVS1:Moderate